The following is an entry in ClinVar:

NM_032119.4(ADGRV1):c.17974-2del

Gene: ADGRV1 (adhesion G protein-coupled receptor V1; plus strand). Cytogenetic location: 5q14.3.
Variant type: Deletion.
Coding change: c.17974-2del on transcript NM_032119.4 (MANE Select); the canonical splice acceptor site of the intron before coding-DNA position 17974, one base deleted (A; older notation c.17974-2delA).
Molecular consequence: splice acceptor variant.
Genome position (GRCh38, 1-based): chr5:90,985,342, A deleted. VCF-style (leftmost placement, unchanged base first): chr5-90985341-TA-T. GRCh37 (hg19) VCF-style: chr5-90281158-TA-T.
Identifiers: ClinVar variation 2745780 (VCV002745780.3), dbSNP rs778111121, ClinGen allele CA3342529.
Genomic context (GRCh38, chr5:90,985,341, plus strand): 5'-TAGAGTTTGTGTTCTGTGCCATTAAAGAAGAGCCTGTTCATTTTATGTTGTTTTCTTCCT[TA>T]GTCTGTGAATTTCTGGTACGTGCTGGTGATGAATGATGAGCACACAGAGAGGCGATATCT-3'

ClinVar aggregate classification (germline): Pathogenic (1 of 4 stars; one submission).

Allele frequency attached by ClinVar (database versions not stated): gnomAD exomes below 0.00001; ExAC 0.00001.

Submission:

Labcorp Genetics (formerly Invitae), Labcorp
Classification: Pathogenic. Last evaluated: 2024-06-26. Review status: criteria provided, single submitter. Criteria: Invitae Variant Classification Sherloc (09022015). Collection method: clinical testing. Allele origin: germline.
Comment: This sequence change affects a splice site in intron 84 of the ADGRV1 gene. It is expected to disrupt RNA splicing. Variants that disrupt the donor or acceptor splice site typically lead to a loss of protein function (PMID: 16199547), and loss-of-function variants in ADGRV1 are known to be pathogenic (PMID: 19357117, 22135276, 22147658, 26226137, 30718709, 31047384, 32467589). This variant is present in population databases (rs778111121, gnomAD 0.0009%). Disruption of this splice site has been observed in individual(s) with Usher syndrome (Invitae). In at least one individual the data is consistent with being in trans (on the opposite chromosome) from a pathogenic variant. Algorithms developed to predict the effect of sequence changes on RNA splicing suggest that this variant may disrupt the consensus splice site. For these reasons, this variant has been classified as Pathogenic.

Literature cited by the submitters: PubMed 16199547; PubMed 19357117; PubMed 22135276; PubMed 22147658; PubMed 26226137; PubMed 30718709; PubMed 31047384; PubMed 32467589.